The following is an entry in ClinVar:

ClinVar aggregate classification (germline): Likely benign (1 of 4 stars; one submission).

Allele frequency attached by ClinVar (database versions not stated): ExAC 0.00006.

Submission:

CeGaT Center for Human Genetics Tuebingen
Classification: Likely benign. Last evaluated: 2023-08-01. Review status: criteria provided, single submitter. Criteria: CeGaT Center For Human Genetics Tuebingen Variant Classification Criteria Version 2. Collection method: clinical testing. Allele origin: germline. Affected: yes. Observed: 2 variant alleles.
Comment: MUC4: BS2

NM_018406.7(MUC4):c.12256_12257insTCACCAGCC (p.Ala4086delinsValThrSerPro)

Genes: MUC4 (mucin 4, cell surface associated), LOC126806930 (BRD4-independent group 4 enhancer GRCh37_chr3:195505212-195506411). Cytogenetic location: 3q29.
Variant type: Insertion.
Coding change: c.12256_12257insTCACCAGCC on transcript NM_018406.7 (MANE Select); coding-DNA positions 12256 to 12257, TCACCAGCC inserted.
Protein change: p.Ala4086delinsValThrSerPro.
Molecular consequence: inframe indel. On other transcripts: genic upstream transcript variant (2).
Genome position: GRCh38 VCF-style: chr3-195779323-G-GGGCTGGTGA. GRCh37 (hg19) VCF-style: chr3-195506194-G-GGGCTGGTGA.
Other names: c.17554_17555insTCACCAGCC, p.Ala5852delinsValThrSerPro (NM_001322468.1); c.83-5019_83-5018insTCACCAGCC (NM_138297.5); c.83-869_83-868insTCACCAGCC (NM_004532.6).
Identifiers: ClinVar variation 2654386 (VCV002654386.24), dbSNP rs763983596, ClinGen allele CA2768906.